The following is an entry in ClinVar:

NM_001369.3(DNAH5):c.3788T>C (p.Ile1263Thr)

Genes: DNAH5 (dynein axonemal heavy chain 5; minus strand), DNAH5-AS1 (DNAH5 antisense RNA 1; plus strand). Cytogenetic location: 5p15.2.
Variant type: single nucleotide variant.
Coding change: c.3788T>C on transcript NM_001369.3 (MANE Select); coding-DNA position 3788, T replaced by C.
Protein change: p.Ile1263Thr; replaces isoleucine 1263 with threonine.
Molecular consequence: missense variant.
Genome position (GRCh38, 1-based): chr5:13,870,813, A>G on the plus strand (T>C on the coding strand, the complement: DNAH5 is on the minus strand). VCF-style: chr5-13870813-A-G. GRCh37 (hg19) VCF-style: chr5-13870922-A-G.
Other names: short protein forms I1263T.
Identifiers: ClinVar variation 2451384 (VCV002451384.2), dbSNP rs2546995678, ClinGen allele CA359231481.

ClinVar aggregate classification (germline): Uncertain significance (1 of 4 stars; one submission).

Conditions:
Primary ciliary dyskinesia. Also called: Ciliary dyskinesia. Identifiers: Orphanet 244, MedGen C0008780, MONDO:0016575, HP:0012265.

Submission:

Ambry Genetics
Classification: Uncertain significance for Primary ciliary dyskinesia. Last evaluated: 2023-01-18. Review status: criteria provided, single submitter. Criteria: Ambry Variant Classification Scheme 2023. Collection method: clinical testing. Allele origin: germline.
Comment: The p.I1263T variant (also known as c.3788T>C), located in coding exon 24 of the DNAH5 gene, results from a T to C substitution at nucleotide position 3788. The isoleucine at codon 1263 is replaced by threonine, an amino acid with similar properties. This amino acid position is conserved. In addition, the in silico prediction for this alteration is inconclusive. Since supporting evidence is limited at this time, the clinical significance of this alteration remains unclear.